The following is an entry in ClinVar:

NM_182916.3(TRNT1):c.567G>T (p.Gln189His)

Gene: TRNT1 (tRNA nucleotidyl transferase 1; plus strand). Cytogenetic location: 3p26.2.
Variant type: single nucleotide variant.
Coding change: c.567G>T on transcript NM_182916.3 (MANE Select); coding-DNA position 567, G replaced by T.
Protein change: p.Gln189His; replaces glutamine 189 with histidine.
Molecular consequence: missense variant. On other transcripts: non-coding transcript variant (8).
Genome position (GRCh38, 1-based): chr3:3,144,669, G>T. VCF-style: chr3-3144669-G-T. GRCh37 (hg19) VCF-style: chr3-3186353-G-T.
Other names: c.567G>T, p.Gln189His (LRG_1314t1, NM_001302946.2, NM_001367321.1 and 2 more transcripts); short protein forms Q189H.
Identifiers: ClinVar variation 655830 (VCV000655830.7), dbSNP rs760683285, ClinGen allele CA2228715.

ClinVar aggregate classification (germline): Uncertain significance. Review status: criteria provided, multiple submitters, no conflicts (2 of 4 stars). 3 submissions from 3 submitters: Uncertain significance (3). Last evaluated 2025-02-27.

Conditions:
Inborn genetic diseases. Identifiers: MedGen C0950123, MeSH D030342.
Congenital sideroblastic anemia-B-cell immunodeficiency-periodic fever-developmental delay syndrome. Also called: Sideroblastic anemia with B-cell immunodeficiency, periodic fevers, and developmental delay. Identifiers: Orphanet 369861, MedGen C4015172, MONDO:0014487, OMIM 616084.
Retinitis pigmentosa and erythrocytic microcytosis (RPEM). Identifiers: MedGen C4310776, MONDO:0014850, OMIM 616959.

Allele frequency attached by ClinVar (database versions not stated): ExAC 0.00002; gnomAD exomes 0.00004 and 0.00009; TOPMed 0.00006.
gnomAD v4.1: 135 of 1,566,626 alleles (0.0086%); highest among the groups gnomAD compares: Non-Finnish European, 0.011%; no homozygotes.

Submissions (3):

Ambry Genetics
Classification: Uncertain significance for Inborn genetic diseases. Last evaluated: 2025-02-27. Review status: criteria provided, single submitter. Criteria: Ambry Variant Classification Scheme 2023. Collection method: clinical testing. Allele origin: germline.

Labcorp Genetics (formerly Invitae), Labcorp
Classification: Uncertain significance for Congenital sideroblastic anemia-B-cell immunodeficiency-periodic fever-developmental delay syndrome. Last evaluated: 2022-08-16. Review status: criteria provided, single submitter. Criteria: Invitae Variant Classification Sherloc (09022015). Collection method: clinical testing. Allele origin: germline.
Comment: This sequence change replaces glutamine, which is neutral and polar, with histidine, which is basic and polar, at codon 189 of the TRNT1 protein (p.Gln189His). This variant is present in population databases (rs760683285, gnomAD 0.007%). This variant has not been reported in the literature in individuals affected with TRNT1-related conditions. ClinVar contains an entry for this variant (Variation ID: 655830). Algorithms developed to predict the effect of missense changes on protein structure and function (SIFT, PolyPhen-2, Align-GVGD) all suggest that this variant is likely to be tolerated. In summary, the available evidence is currently insufficient to determine the role of this variant in disease. Therefore, it has been classified as a Variant of Uncertain Significance.

Fulgent Genetics
Classification: Uncertain significance for Congenital sideroblastic anemia-B-cell immunodeficiency-periodic fever-developmental delay syndrome; Retinitis pigmentosa and erythrocytic microcytosis. Last evaluated: 2022-04-14. Review status: criteria provided, single submitter. Criteria: ACMG Guidelines, 2015. Collection method: clinical testing. Allele origin: unknown.